The following is an entry in ClinVar:

ClinVar aggregate classification (germline): Pathogenic/Likely pathogenic. Review status: criteria provided, multiple submitters, no conflicts (2 of 4 stars). 2 submissions from 2 submitters: Pathogenic (1); Likely pathogenic (1). Last evaluated 2023-03-08.

Conditions:
Dilated cardiomyopathy 1G (CMD1G). Identifiers: Orphanet 154, MedGen C1858763, MONDO:0011400, OMIM 604145.
Autosomal recessive limb-girdle muscular dystrophy type 2J (LGMDR10). Also called: MUSCULAR DYSTROPHY, LIMB-GIRDLE, AUTOSOMAL RECESSIVE 10; Limb-girdle muscular dystrophy, type 2J. Identifiers: Orphanet 140922, MedGen C1837342, MONDO:0012127, OMIM 608807.

Submissions (2):

GeneDx
Classification: Pathogenic. Last evaluated: 2023-03-08. Review status: criteria provided, single submitter. Criteria: GeneDx Variant Classification Process June 2021. Collection method: clinical testing. Allele origin: germline. Affected: yes.
Comment: Has not been previously published as pathogenic or benign to our knowledge; Not observed at significant frequency in large population cohorts (gnomAD); Nonsense variant predicted to result in protein truncation or nonsense mediated decay in a gene for which loss of function is a known mechanism of disease; Located in the A-band region of TTN in which the majority of loss of function variants have been associated with autosomal dominant titinopathies (Herman et al., 2012); This variant is associated with the following publications: (PMID: 22335739)

Labcorp Genetics (formerly Invitae), Labcorp
Classification: Likely pathogenic for Dilated cardiomyopathy 1G; Autosomal recessive limb-girdle muscular dystrophy type 2J. Last evaluated: 2022-08-16. Review status: criteria provided, single submitter. Criteria: Invitae Variant Classification Sherloc (09022015). Collection method: clinical testing. Allele origin: germline.
Comment: This variant is not present in population databases (gnomAD no frequency). This variant has not been reported in the literature in individuals affected with TTN-related conditions. ClinVar contains an entry for this variant (Variation ID: 202390). This variant is located in the A band of TTN (PMID: 25589632). Truncating variants in this region are significantly overrepresented in patients affected with dilated cardiomyopathy (PMID: 25589632). Truncating variants in this region have also been reported in individuals affected with autosomal recessive centronuclear myopathy (PMID: 23975875). In summary, the currently available evidence indicates that the variant is pathogenic, but additional data are needed to prove that conclusively. Therefore, this variant has been classified as Likely Pathogenic. This sequence change creates a premature translational stop signal (p.Trp18187*) in the TTN gene. While this is not anticipated to result in nonsense mediated decay, it is expected to create a truncated TTN protein.

Literature cited by the submitters: PubMed 25589632 (cited by Labcorp Genetics (formerly Invitae), Labcorp); PubMed 23975875 (cited by Labcorp Genetics (formerly Invitae), Labcorp).

NM_001267550.2(TTN):c.54560G>A (p.Trp18187Ter)

Genes: TTN (titin; minus strand), TTN-AS1 (TTN antisense RNA 1; plus strand). Cytogenetic location: 2q31.2.
Variant type: single nucleotide variant.
Coding change: c.54560G>A on transcript NM_001267550.2 (MANE Select); coding-DNA position 54560, G replaced by A.
Protein change: p.Trp18187Ter; replaces tryptophan 18187 with a stop codon.
Molecular consequence: nonsense.
Genome position (GRCh38, 1-based): chr2:178,604,127, C>T on the plus strand (G>A on the coding strand, the complement: TTN is on the minus strand). VCF-style: chr2-178604127-C-T. GRCh37 (hg19) VCF-style: chr2-179468854-C-T.
Other names: p.W16546*:TGG>TAG; c.49637G>A, p.Trp16546Ter (NM_001256850.1); c.27365G>A, p.Trp9122Ter (NM_003319.4); c.46856G>A, p.Trp15619Ter (NM_133378.4); c.27740G>A, p.Trp9247Ter (NM_133432.3); c.27941G>A, p.Trp9314Ter (NM_133437.4); short protein forms W16546*, W18187*, W15619*, W9314*, W9122*, W9247*.
Identifiers: ClinVar variation 202390 (VCV000202390.13), dbSNP rs794729274, ClinGen allele CA309273.